The following is an entry in ClinVar:

ClinVar aggregate classification (germline): Uncertain significance (1 of 4 stars; one submission).

Submission:

Labcorp Genetics (formerly Invitae), Labcorp
Classification: Uncertain significance. Last evaluated: 2023-11-20. Review status: criteria provided, single submitter. Criteria: Invitae Variant Classification Sherloc (09022015). Collection method: clinical testing. Allele origin: germline.
Comment: This sequence change replaces isoleucine, which is neutral and non-polar, with methionine, which is neutral and non-polar, at codon 1532 of the SCN3A protein (p.Ile1532Met). This variant is not present in population databases (gnomAD no frequency). This variant has not been reported in the literature in individuals affected with SCN3A-related conditions. ClinVar contains an entry for this variant (Variation ID: 1719940). Advanced modeling of protein sequence and biophysical properties (such as structural, functional, and spatial information, amino acid conservation, physicochemical variation, residue mobility, and thermodynamic stability) performed at Invitae indicates that this missense variant is expected to disrupt SCN3A protein function with a positive predictive value of 80%. In summary, the available evidence is currently insufficient to determine the role of this variant in disease. Therefore, it has been classified as a Variant of Uncertain Significance.

NM_006922.4(SCN3A):c.4596C>G (p.Ile1532Met)

Gene: SCN3A (sodium voltage-gated channel alpha subunit 3; minus strand). Cytogenetic location: 2q24.3.
Variant type: single nucleotide variant.
Coding change: c.4596C>G on transcript NM_006922.4 (MANE Select); coding-DNA position 4596, C replaced by G.
Protein change: p.Ile1532Met; replaces isoleucine 1532 with methionine.
Molecular consequence: missense variant.
Genome position (GRCh38, 1-based): chr2:165,092,465, G>C on the plus strand (C>G on the coding strand, the complement: SCN3A is on the minus strand). VCF-style: chr2-165092465-G-C. GRCh37 (hg19) VCF-style: chr2-165948975-G-C.
Other names: c.4449C>G, p.Ile1483Met (NM_001081676.2, NM_001081677.2); short protein forms I1483M, I1532M.
Identifiers: ClinVar variation 1719940 (VCV001719940.5), dbSNP rs2468047816, ClinGen allele CA349019261.
Genomic context (GRCh38, chr2:165,092,465, plus strand): 5'-TTTGCCCTGGTCATCCGTTTCCACCATCATGGTGACCATGTTGAGGCAGATGAGGATCAT[G>C]ATGCTGATATCAAAGACTTGTCTGGTTACAAAATCAAAGACCATTCCTTGGAATTTGTTC-3'
Protein context (NP_008853.3, residues 1522-1542): FVTRQVFDIS[Ile1532Met]MILICLNMVT